The following is an entry in ClinVar:

NM_001369.3(DNAH5):c.8947dup (p.Thr2983fs)

Gene: DNAH5 (dynein axonemal heavy chain 5; minus strand). Cytogenetic location: 5p15.2.
Variant type: Duplication.
Coding change: c.8947dup on transcript NM_001369.3 (MANE Select); coding-DNA position 8947, one base duplicated (A; older notation c.8947dupA).
Protein change: p.Thr2983fs; shifts the reading frame from threonine 2983.
Molecular consequence: frameshift variant.
Genome position (GRCh38, 1-based): chr5:13,780,833, T duplicated on the plus strand (A on the coding strand, the reverse complement: DNAH5 is on the minus strand). VCF-style (leftmost placement, unchanged base first): chr5-13780832-G-GT. GRCh37 (hg19) VCF-style: chr5-13780941-G-GT.
Other names: short protein forms T2983fs.
Identifiers: ClinVar variation 1923050 (VCV001923050.5), dbSNP rs2546695945, ClinGen allele CA2580072040.
Genomic context (GRCh38, chr5:13,780,832, plus strand): 5'-CTCTGAGCACCTTTTATCAAAATCCATGTTAGGTTTGTTAAAGTAAAAGGTTGTCACCTC[G>GT]TCAGAGTGATCTGGAAGGAAACGTAGCCAGCAATGAATGAAGCCAACCTCGTCAGGCTCT-3'

ClinVar aggregate classification (germline): Pathogenic (1 of 4 stars; one submission).

Conditions:
Primary ciliary dyskinesia. Also called: Ciliary dyskinesia. Identifiers: Orphanet 244, MedGen C0008780, MONDO:0016575, HP:0012265.

Submission:

Labcorp Genetics (formerly Invitae), Labcorp
Classification: Pathogenic for Primary ciliary dyskinesia. Last evaluated: 2022-06-03. Review status: criteria provided, single submitter. Criteria: Invitae Variant Classification Sherloc (09022015). Collection method: clinical testing. Allele origin: germline.
Comment: For these reasons, this variant has been classified as Pathogenic. This variant has not been reported in the literature in individuals affected with DNAH5-related conditions. This variant is not present in population databases (gnomAD no frequency). This sequence change creates a premature translational stop signal (p.Thr2983Asnfs*35) in the DNAH5 gene. It is expected to result in an absent or disrupted protein product. Loss-of-function variants in DNAH5 are known to be pathogenic (PMID: 11788826, 16627867).

Literature cited by the submitters: PubMed 11788826; PubMed 16627867.